The following is an entry in ClinVar:

ClinVar aggregate classification (germline): Uncertain significance (1 of 4 stars; one submission).

Conditions:
Arrhythmogenic right ventricular dysplasia 13. Also called: ARRHYTHMOGENIC RIGHT VENTRICULAR CARDIOMYOPATHY 13; Arrhythmogenic right ventricular dysplasia, familial, 13. Identifiers: MedGen C3810138, MONDO:0000908, OMIM 615616.

Submission:

Labcorp Genetics (formerly Invitae), Labcorp
Classification: Uncertain significance for Arrhythmogenic right ventricular dysplasia 13. Last evaluated: 2016-05-20. Review status: criteria provided, single submitter. Criteria: Invitae Variant Classification Sherloc (09022015). Collection method: clinical testing. Allele origin: germline.
Comment: In summary, this is a novel duplication in the CTNNA3 gene of uncertain clinical relevance. It has been classified as a Variant of Uncertain Significance. This variant is not present in population databases and has not been reported in the literature in individuals with a CTNNA3-related disease. This variant is a gross duplication of the genomic region encompassing exons 6-7 of the CTNNA3 gene. While the exact position of the duplicated exons cannot be determined from this data, the duplicated copy of this region is likely in tandem and in-frame, therefore preserving the integrity of the reading frame.

NC_000010.10:g.(?_68940069)_(68979634_?)dup

Gene: CTNNA3 (catenin alpha 3; minus strand). Cytogenetic location: 10q21.3.
Variant type: Duplication.
Identifiers: ClinVar variation 1000118 (VCV001000118.7).